The following is an entry in ClinVar:

ClinVar aggregate classification (germline): Uncertain significance (1 of 4 stars; one submission).

Conditions:
Hereditary breast ovarian cancer syndrome. Also called: BRCA1- and BRCA2-Associated Hereditary Breast and Ovarian Cancer; Hereditary breast and ovarian cancer syndrome (HBOC); Hereditary breast and/or ovarian cancer syndrome; Hereditary breast and ovarian cancer; Breast and ovarian cancer; Hereditary breast and ovarian cancer syndrome. Identifiers: Orphanet 145, MedGen C0677776, MeSH D061325, MONDO:0003582. Disease mechanism: loss of function.

Submission:

Labcorp Genetics (formerly Invitae), Labcorp
Classification: Uncertain significance for Hereditary breast ovarian cancer syndrome. Last evaluated: 2022-06-07. Review status: criteria provided, single submitter. Criteria: Invitae Variant Classification Sherloc (09022015). Collection method: clinical testing. Allele origin: germline.
Comment: This sequence change falls in intron 22 of the BRCA1 gene. It does not directly change the encoded amino acid sequence of the BRCA1 protein. This variant is not present in population databases (gnomAD no frequency). This variant has not been reported in the literature in individuals affected with BRCA1-related conditions. Algorithms developed to predict the effect of sequence changes on RNA splicing suggest that this variant may disrupt the consensus splice site. In summary, the available evidence is currently insufficient to determine the role of this variant in disease. Therefore, it has been classified as a Variant of Uncertain Significance.

NM_007294.4(BRCA1):c.5430_5467+17dup

Gene: BRCA1 (BRCA1 DNA repair associated; minus strand). Cytogenetic location: 17q21.31.
Variant type: Duplication.
Coding change: c.5430_5467+17dup on transcript NM_007294.4 (MANE Select); coding-DNA position 5430 through 17 bases into the intron after coding-DNA position 5467, 55 bases duplicated.
Molecular consequence: splice donor variant.
Genome position (GRCh38, 1-based): chr17:43,047,626-43,047,680, 55 bases duplicated. GRCh37 (hg19): chr17:41,199,646-41,199,700.
Other names: c.5286_5323+17dup (NM_001407746.1, NM_001407738.1, NM_001407745.1 and 18 more transcripts); c.1977_2014+17dup (NM_001408461.1, NM_001408458.1, NM_001408464.1 and 7 more transcripts); c.5220_5257+17dup (NM_001407886.1, NM_001407885.1, NM_001407881.1 and 5 more transcripts); c.5301_5338+17dup (NM_001407686.1, NM_001407685.1, NM_001407688.1 and 6 more transcripts); c.2115_2152+17dup (NM_001408397.1, NM_001408401.1, NM_001408396.1 and 7 more transcripts); c.1617_1654+17dup (NM_001408512.1); c.1740_1777+17dup (NM_001408510.1); c.1974_2011+17dup (NM_001408470.1, NM_001408469.1, NM_001408468.1); and 83 more.
Identifiers: ClinVar variation 2003003 (VCV002003003.4), dbSNP rs2546580491, ClinGen allele CA2580093933.